The following is an entry in ClinVar:

ClinVar aggregate classification (germline): Uncertain significance (1 of 4 stars; one submission).

Submission:

Labcorp Genetics (formerly Invitae), Labcorp
Classification: Uncertain significance. Last evaluated: 2022-02-02. Review status: criteria provided, single submitter. Criteria: Invitae Variant Classification Sherloc (09022015). Collection method: clinical testing. Allele origin: germline.
Comment: Algorithms developed to predict the effect of sequence changes on RNA splicing suggest that this variant may create or strengthen a splice site. Algorithms developed to predict the effect of missense changes on protein structure and function are either unavailable or do not agree on the potential impact of this missense change (SIFT: "Deleterious"; PolyPhen-2: "Probably Damaging"; Align-GVGD: "Class C0"). This variant has not been reported in the literature in individuals affected with KANK1-related conditions. This variant is not present in population databases (gnomAD no frequency). This sequence change replaces aspartic acid, which is acidic and polar, with tyrosine, which is neutral and polar, at codon 1138 of the KANK1 protein (p.Asp1138Tyr). In summary, the available evidence is currently insufficient to determine the role of this variant in disease. Therefore, it has been classified as a Variant of Uncertain Significance.

NM_015158.5(KANK1):c.3412G>T (p.Asp1138Tyr)

Genes: KANK1 (KN motif and ankyrin repeat domains 1; plus strand), LOC126860554 (MED14-independent group 3 enhancer GRCh37_chr9:737889-739088; plus strand). Cytogenetic location: 9p24.3.
Variant type: single nucleotide variant.
Coding change: c.3412G>T on transcript NM_015158.5 (MANE Select); coding-DNA position 3412, G replaced by T.
Protein change: p.Asp1138Tyr; replaces aspartic acid 1138 with tyrosine.
Molecular consequence: missense variant. On other transcripts: non-coding transcript variant (1).
Genome position (GRCh38, 1-based): chr9:738,363, G>T. VCF-style: chr9-738363-G-T. GRCh37 (hg19) VCF-style: chr9-738363-G-T.
Other names: c.3412G>T, p.Asp1138Tyr (NM_001256876.3, NM_001256877.3, NM_001354334.2); c.3172G>T, p.Asp1058Tyr (NM_001354331.2); c.3358G>T, p.Asp1120Tyr (NM_001354332.2); c.2938G>T, p.Asp980Tyr (NM_001354333.2, NM_001354335.2, NM_001354337.2 and 2 more transcripts); c.2644G>T, p.Asp882Tyr (NM_001354336.2); c.2884G>T, p.Asp962Tyr (NM_001354338.2, NM_001354340.2, NM_001354344.2); c.2698G>T, p.Asp900Tyr (NM_001354339.2, NM_001354342.2, NM_001354343.2); short protein forms D1058Y, D1120Y, D1138Y, D882Y, D900Y, D962Y, D980Y.
Identifiers: ClinVar variation 1936693 (VCV001936693.5), dbSNP rs1834362539, ClinGen allele CA372759161.
Genomic context (GRCh38, chr9:738,363, plus strand): 5'-CTCCAGCACGAGTGGTTCCGCGTGTCCAGTCAGAAGTCAGCCATTCCAGCCATGGTGGGG[G>T]ACTACATAGCTGCTTTTGAGGCCATTTCCCCAGATGTCCTCCGCTATGTCATCAACTTGG-3'
Protein context (NP_055973.2, residues 1128-1148): QKSAIPAMVG[Asp1138Tyr]YIAAFEAISP